The following is an entry in ClinVar:

NM_001370259.2(MEN1):c.727_734del (p.Ile243fs)

Gene: MEN1 (menin 1; minus strand). Cytogenetic location: 11q13.1.
Variant type: Deletion.
Coding change: c.727_734del on transcript NM_001370259.2 (MANE Select); coding-DNA positions 727 to 734, 8 bases deleted (ATCAACCC; older notation c.727_734delATCAACCC).
Protein change: p.Ile243fs; shifts the reading frame from isoleucine 243.
Molecular consequence: frameshift variant.
Genome position (GRCh38, 1-based): chr11:64,807,601-64,807,608, GGGTTGAT deleted on the plus strand (ATCAACCC on the coding strand, the reverse complement: MEN1 is on the minus strand); deleting any 8 consecutive bases within chr11:64,807,601-64,807,610 gives the same sequence; the c. name uses the placement nearest the transcript's 3' end. VCF-style (leftmost placement, unchanged base first): chr11-64807600-AGGGTTGAT-A. GRCh37 (hg19) VCF-style: chr11-64575072-AGGGTTGAT-A.
Other names: c.727_734delATCAACCC (NM_130799.2); c.742_749del, p.Ile248fs (NM_000244.4, NM_130800.3, NM_130801.3 and 3 more transcripts); c.727_734del, p.Ile243fs (NM_001370251.2, NM_001370260.2, NM_001370261.2 and 1 more transcripts); c.622_629del, p.Ile208fs (NM_001370262.2, NM_001370263.2); short protein forms I243fs, I248fs, I208fs.
Identifiers: ClinVar variation 428076 (VCV000428076.6), dbSNP rs1114167532, ClinGen allele CA645369565.
Genomic context (GRCh38, chr11:64,807,600, plus strand): 5'-CTCAGCCCTCACCTGCTGCAGCTGCAGAAGCTCCAGCGAGTCGGTGTGCAGGTCAATGGA[AGGGTTGAT>A]GGCACACACCATGAACGCCACCTCCATCTTGCGGTCACAGCGCATGTATGATCCTTTCAG-3'

ClinVar aggregate classification (germline): Pathogenic (1 of 4 stars; one submission).

Conditions:
Hereditary cancer-predisposing syndrome. Also called: Hereditary Cancer Syndrome; Neoplastic Syndromes, Hereditary; Hereditary neoplastic syndrome; Tumor predisposition. Identifiers: Orphanet 140162, MedGen C0027672, MeSH D009386, MONDO:0015356.

Submission:

Ambry Genetics
Classification: Pathogenic for Hereditary cancer-predisposing syndrome. Last evaluated: 2016-04-07. Review status: criteria provided, single submitter. Criteria: Ambry Variant Classification Scheme 2023. Collection method: clinical testing. Allele origin: germline.
Comment: The c.727_734delATCAACCC pathogenic mutation, located in coding exon 3 of the MEN1 gene, results from a deletion of 8 nucleotides at nucleotide positions 727 to 734, causing a translational frameshift with a predicted alternate stop codon (p.I243Ffs*3). This alteration is expected to result in loss of function by premature protein truncation or nonsense-mediated mRNA decay. As such, this alteration is interpreted as a disease-causing mutation.